The following is an entry in ClinVar:

NM_001379286.1(ZNF423):c.1061G>C (p.Arg354Pro)

Gene: ZNF423 (zinc finger protein 423; minus strand). Cytogenetic location: 16q12.1.
Variant type: single nucleotide variant.
Coding change: c.1061G>C on transcript NM_001379286.1 (MANE Select); coding-DNA position 1061, G replaced by C.
Protein change: p.Arg354Pro; replaces arginine 354 with proline.
Molecular consequence: missense variant.
Genome position (GRCh38, 1-based): chr16:49,638,115, C>G on the plus strand (G>C on the coding strand, the complement: ZNF423 is on the minus strand). VCF-style: chr16-49638115-C-G. GRCh37 (hg19) VCF-style: chr16-49672026-C-G.
Other names: c.857G>C, p.Arg286Pro (NM_001271620.2); c.686G>C, p.Arg229Pro (NM_001330533.2); c.1037G>C, p.Arg346Pro (NM_015069.5); short protein forms R354P, R346P, R229P, R286P.
Identifiers: ClinVar variation 1350532 (VCV001350532.8), dbSNP rs753225898, ClinGen allele CA395850435.

ClinVar aggregate classification (germline): Uncertain significance (1 of 4 stars; one submission).

Conditions:
Nephronophthisis 14 (NPHP14). Identifiers: Orphanet 2318, MedGen C3539071, MONDO:0013916, OMIM 614844.

Submission:

Labcorp Genetics (formerly Invitae), Labcorp
Classification: Uncertain significance for Nephronophthisis 14. Last evaluated: 2022-07-05. Review status: criteria provided, single submitter. Criteria: Invitae Variant Classification Sherloc (09022015). Collection method: clinical testing. Allele origin: germline.
Comment: Algorithms developed to predict the effect of missense changes on protein structure and function are either unavailable or do not agree on the potential impact of this missense change (SIFT: "Deleterious"; PolyPhen-2: "Benign"; Align-GVGD: "Class C0"). ClinVar contains an entry for this variant (Variation ID: 1350532). This variant has not been reported in the literature in individuals affected with ZNF423-related conditions. This variant is not present in population databases (gnomAD no frequency). This sequence change replaces arginine, which is basic and polar, with proline, which is neutral and non-polar, at codon 346 of the ZNF423 protein (p.Arg346Pro). In summary, the available evidence is currently insufficient to determine the role of this variant in disease. Therefore, it has been classified as a Variant of Uncertain Significance.